The following is an entry in ClinVar:

NM_003193.5(TBCE):c.965G>C (p.Trp322Ser)

Gene: TBCE (tubulin folding cofactor E; plus strand). Cytogenetic location: 1q42.3.
Variant type: single nucleotide variant.
Coding change: c.965G>C on transcript NM_003193.5 (MANE Select); coding-DNA position 965, G replaced by C.
Protein change: p.Trp322Ser; replaces tryptophan 322 with serine.
Molecular consequence: missense variant.
Genome position (GRCh38, 1-based): chr1:235,437,323, G>C. VCF-style: chr1-235437323-G-C. GRCh37 (hg19) VCF-style: chr1-235600638-G-C.
Other names: c.965G>C, p.Trp322Ser (NM_001079515.3); c.1118G>C, p.Trp373Ser (NM_001287801.2); c.626G>C, p.Trp209Ser (NM_001287802.2); c.965G>C (NM_003193.3); short protein forms W322S, W209S, W373S.
Identifiers: ClinVar variation 2038954 (VCV002038954.2), dbSNP rs943233135, ClinGen allele CA39588349.
Genomic context (GRCh38, chr1:235,437,323, plus strand): 5'-TTCTGCAAAAGTGGCATGAACGTACCGCTTTTCATTTATTTCCTTTTGCTGTGTTTCAGT[G>C]GTCGTTTTTCAATGAGCTAGAGAAGTTACCAAGTCTACGGGCTTTGTCCTGCCTAAGAAA-3'
Protein context (NP_003184.1, residues 312-332): LVVNDNQISQ[Trp322Ser]SFFNELEKLP

ClinVar aggregate classification (germline): Uncertain significance. Review status: criteria provided, multiple submitters, no conflicts (2 of 4 stars). 2 submissions from 2 submitters: Uncertain significance (2). Last evaluated 2025-06-03.

Conditions:
Inborn genetic diseases. Identifiers: MedGen C0950123, MeSH D030342.

Allele frequency attached by ClinVar (database versions not stated): gnomAD exomes below 0.00001.
gnomAD v4.1: 1 of 1,613,950 alleles (0.000062%); highest among the groups gnomAD compares: Admixed American, 0.0017%; no homozygotes.

Submissions (2):

Ambry Genetics
Classification: Uncertain significance for Inborn genetic diseases. Last evaluated: 2025-06-03. Review status: criteria provided, single submitter. Criteria: Ambry Variant Classification Scheme 2023. Collection method: clinical testing. Allele origin: germline.

Labcorp Genetics (formerly Invitae), Labcorp
Classification: Uncertain significance. Last evaluated: 2022-03-28. Review status: criteria provided, single submitter. Criteria: Invitae Variant Classification Sherloc (09022015). Collection method: clinical testing. Allele origin: germline.
Comment: This sequence change replaces tryptophan, which is neutral and slightly polar, with serine, which is neutral and polar, at codon 322 of the TBCE protein (p.Trp322Ser). This variant is present in population databases (no rsID available, gnomAD 0.003%). This variant has not been reported in the literature in individuals affected with TBCE-related conditions. Algorithms developed to predict the effect of missense changes on protein structure and function are either unavailable or do not agree on the potential impact of this missense change (SIFT: "Tolerated"; PolyPhen-2: "Probably Damaging"; Align-GVGD: "Class C0"). In summary, the available evidence is currently insufficient to determine the role of this variant in disease. Therefore, it has been classified as a Variant of Uncertain Significance.